The following is an entry in ClinVar:

ClinVar aggregate classification (germline): Conflicting classifications of pathogenicity. Review status: criteria provided, conflicting classifications (1 of 4 stars). 2 submissions from 2 submitters: Uncertain significance (1); Likely benign (1). Last evaluated 2025-09-01.

Conditions:
Non-obstructive azoospermia. Identifiers: MedGen C4021107, HP:0011961.

Allele frequency attached by ClinVar (database versions not stated): 1000 Genomes Project 0.00040; 1000 Genomes Project 30x 0.00047; gnomAD 0.00297; TOPMed 0.00311; ESP Exome Variant Server 0.00397.
gnomAD v4.1: 6,296 of 1,614,196 alleles (0.39%); highest among the groups gnomAD compares: Non-Finnish European, 0.47%; 14 homozygotes.

Submissions (17):

CeGaT Center for Human Genetics Tuebingen
Classification: Likely benign. Last evaluated: 2025-09-01. Review status: criteria provided, single submitter. Criteria: CeGaT Center For Human Genetics Tuebingen Variant Classification Criteria Version 2. Collection method: clinical testing. Allele origin: germline. Affected: yes. Observed: 1 variant allele.
Comment: REC8: BS2

Institute of Reproductive Genetics, University of Münster
Classification: Uncertain significance for Non-obstructive azoospermia. Last evaluated: 2020-06-07. Review status: criteria provided, single submitter. Criteria: ACMG Guidelines, 2015. Collection method: research. Allele origin: unknown. Affected: yes. Observed: 1 variant allele.

Dr. Peter K. Rogan Lab, Western University
No classification provided (evidence only). Condition: Melanoma. Review status: no classification provided. Collection method: in vitro. Allele origin: not applicable. Functional consequence: retained intron. Not counted in ClinVar's aggregate classification.

Dr. Peter K. Rogan Lab, Western University
No classification provided (evidence only). Condition: Thyroid cancer, nonmedullary, 1. Review status: no classification provided. Collection method: in vitro. Allele origin: not applicable. Functional consequence: retained intron. Not counted in ClinVar's aggregate classification.

Dr. Peter K. Rogan Lab, Western University
No classification provided (evidence only). Condition: Uterine corpus endometrial carcinoma. Review status: no classification provided. Collection method: in vitro. Allele origin: not applicable. Functional consequence: retained intron. Not counted in ClinVar's aggregate classification.

Dr. Peter K. Rogan Lab, Western University
No classification provided (evidence only). Condition: Uterine corpus endometrial carcinoma. Review status: no classification provided. Collection method: in vitro. Allele origin: not applicable. Functional consequence: retained intron. Not counted in ClinVar's aggregate classification.

Dr. Peter K. Rogan Lab, Western University
No classification provided (evidence only). Condition: Thymoma. Review status: no classification provided. Collection method: in vitro. Allele origin: not applicable. Functional consequence: retained intron. Not counted in ClinVar's aggregate classification.

Dr. Peter K. Rogan Lab, Western University
No classification provided (evidence only). Condition: Ovarian serous cystadenocarcinoma. Review status: no classification provided. Collection method: in vitro. Allele origin: not applicable. Functional consequence: retained intron. Not counted in ClinVar's aggregate classification.

Dr. Peter K. Rogan Lab, Western University
No classification provided (evidence only). Condition: Ovarian serous cystadenocarcinoma. Review status: no classification provided. Collection method: in vitro. Allele origin: not applicable. Functional consequence: retained intron. Not counted in ClinVar's aggregate classification.

Dr. Peter K. Rogan Lab, Western University
No classification provided (evidence only). Condition: Ovarian serous cystadenocarcinoma. Review status: no classification provided. Collection method: in vitro. Allele origin: not applicable. Functional consequence: retained intron. Not counted in ClinVar's aggregate classification.

Dr. Peter K. Rogan Lab, Western University
No classification provided (evidence only). Condition: Gastric cancer. Review status: no classification provided. Collection method: in vitro. Allele origin: not applicable. Functional consequence: retained intron. Not counted in ClinVar's aggregate classification.

Dr. Peter K. Rogan Lab, Western University
No classification provided (evidence only). Condition: Gastric cancer. Review status: no classification provided. Collection method: in vitro. Allele origin: not applicable. Functional consequence: retained intron. Not counted in ClinVar's aggregate classification.

Dr. Peter K. Rogan Lab, Western University
No classification provided (evidence only). Condition: Gastric cancer. Review status: no classification provided. Collection method: in vitro. Allele origin: not applicable. Functional consequence: retained intron. Not counted in ClinVar's aggregate classification.

Dr. Peter K. Rogan Lab, Western University
No classification provided (evidence only). Condition: Gastric cancer. Review status: no classification provided. Collection method: in vitro. Allele origin: not applicable. Functional consequence: retained intron. Not counted in ClinVar's aggregate classification.

Dr. Peter K. Rogan Lab, Western University
No classification provided (evidence only). Condition: Uterine carcinosarcoma. Review status: no classification provided. Collection method: in vitro. Allele origin: not applicable. Functional consequence: retained intron. Not counted in ClinVar's aggregate classification.

Dr. Peter K. Rogan Lab, Western University
No classification provided (evidence only). Condition: Uterine carcinosarcoma. Review status: no classification provided. Collection method: in vitro. Allele origin: not applicable. Functional consequence: retained intron. Not counted in ClinVar's aggregate classification.

Dr. Peter K. Rogan Lab, Western University
No classification provided (evidence only). Condition: Malignant tumor of esophagus. Review status: no classification provided. Collection method: in vitro. Allele origin: not applicable. Functional consequence: retained intron. Not counted in ClinVar's aggregate classification.

Literature cited by the submitters: PubMed 31479588 (cited by Institute of Reproductive Genetics, University of Münster).

NM_001048205.2(REC8):c.91C>T (p.Arg31Cys)

Gene: REC8 (REC8 meiotic recombination protein; plus strand). Cytogenetic location: 14q12.
Variant type: single nucleotide variant.
Coding change: c.91C>T on transcript NM_001048205.2 (MANE Select); coding-DNA position 91, C replaced by T.
Protein change: p.Arg31Cys; replaces arginine 31 with cysteine.
Molecular consequence: missense variant.
Genome position (GRCh38, 1-based): chr14:24,172,747, C>T. VCF-style: chr14-24172747-C-T. GRCh37 (hg19) VCF-style: chr14-24641956-C-T.
Other names: NC_000014.8:g.24641956C>T; c.91C>T, p.Arg31Cys (NM_005132.3); short protein forms R31C.
Identifiers: ClinVar variation 684733 (VCV000684733.11), dbSNP rs34075659, ClinGen allele CA7126737.